The following is an entry in ClinVar:

ClinVar aggregate classification (germline): Uncertain significance. Review status: criteria provided, multiple submitters, no conflicts (2 of 4 stars). 2 submissions from 2 submitters: Uncertain significance (2). Last evaluated 2024-07-16.

Conditions:
Ataxia-telangiectasia syndrome (AT). Also called: Ataxia-telangiectasia, complementation group D; AT, COMPLEMENTATION GROUP C; Ataxia-telangiectasia; ATAXIA-TELANGIECTASIA, COMPLEMENTATION GROUP A; ATAXIA-TELANGIECTASIA, FRESNO VARIANT; LOUIS-BAR SYNDROME. Identifiers: Orphanet 100, MedGen C0004135, MONDO:0008840, OMIM 208900.

Allele frequency attached by ClinVar (database versions not stated): gnomAD exomes below 0.00001; ExAC 0.00001.
gnomAD v4.1: 3 of 1,612,188 alleles (0.00019%); highest among the groups gnomAD compares: Non-Finnish European, 0.00025%; no homozygotes.

Submissions (2):

Labcorp Genetics (formerly Invitae), Labcorp
Classification: Uncertain significance for Ataxia-telangiectasia syndrome. Last evaluated: 2024-07-16. Review status: criteria provided, single submitter. Criteria: Invitae Variant Classification Sherloc (09022015). Collection method: clinical testing. Allele origin: germline.
Comment: This sequence change replaces asparagine, which is neutral and polar, with histidine, which is basic and polar, at codon 1431 of the ATM protein (p.Asn1431His). This variant is present in population databases (rs748144169, gnomAD 0.0009%). This variant has not been reported in the literature in individuals affected with ATM-related conditions. ClinVar contains an entry for this variant (Variation ID: 632650). An algorithm developed to predict the effect of missense changes on protein structure and function (PolyPhen-2) suggests that this variant is likely to be tolerated. In summary, the available evidence is currently insufficient to determine the role of this variant in disease. Therefore, it has been classified as a Variant of Uncertain Significance.

Women's Health and Genetics/Laboratory Corporation of America, LabCorp
Classification: Uncertain significance. Last evaluated: 2018-06-04. Review status: criteria provided, single submitter. Criteria: LabCorp Variant Classification Summary - May 2015. Collection method: clinical testing. Allele origin: germline.
Comment: Variant summary: ATM c.4291A>C (p.Asn1431His) results in a conservative amino acid change in the encoded protein sequence. Four of five in-silico tools predict a benign effect of the variant on protein function. The variant allele was found at a frequency of 4.1e-06 in 244822 control chromosomes (gnomAD). The available data on variant occurrences in the general population are insufficient to allow any conclusion about variant significance. To our knowledge, no occurrence of c.4291A>C in individuals affected with Ataxia-Telangiectasia or Breast Cancer and no experimental evidence demonstrating its impact on protein function have been reported. No clinical diagnostic laboratories have submitted clinical-significance assessments for this variant to ClinVar after 2014. Based on the evidence outlined above, the variant was classified as uncertain significance.

NM_000051.4(ATM):c.4291A>C (p.Asn1431His)

Gene: ATM (ATM serine/threonine kinase; plus strand). Cytogenetic location: 11q22.3.
Variant type: single nucleotide variant.
Coding change: c.4291A>C on transcript NM_000051.4 (MANE Select); coding-DNA position 4291, A replaced by C.
Protein change: p.Asn1431His; replaces asparagine 1431 with histidine.
Molecular consequence: missense variant.
Genome position (GRCh38, 1-based): chr11:108,289,656, A>C. VCF-style: chr11-108289656-A-C. GRCh37 (hg19) VCF-style: chr11-108160383-A-C.
Other names: c.4291A>C, p.Asn1431His (NM_001351834.2); short protein forms N1431H.
Identifiers: ClinVar variation 632650 (VCV000632650.6), dbSNP rs748144169, ClinGen allele CA6265432.